The following is an entry in ClinVar:

ClinVar aggregate classification (germline): Uncertain significance. Review status: criteria provided, multiple submitters, no conflicts (2 of 4 stars). 3 submissions from 3 submitters: Uncertain significance (3). Last evaluated 2025-04-02.

Conditions:
Epidermolysis bullosa simplex with nail dystrophy (EBS5D). Identifiers: MedGen C4225309, MONDO:0014661, OMIM 616487.
Epidermolysis bullosa simplex 5B, with muscular dystrophy (EBS5B). Also called: Epidermolysis bullosa simplex with muscular dystrophy; EPIDERMOLYSIS BULLOSA SIMPLEX AND LIMB-GIRDLE MUSCULAR DYSTROPHY. Identifiers: Orphanet 257, MedGen C2931072, MONDO:0009181, OMIM 226670.
Epidermolysis bullosa simplex, Ogna type (EBS5A). Also called: EPIDERMOLYSIS BULLOSA SIMPLEX 5A, OGNA TYPE; Pidermolysis bullosa simplex 5A, Ogna type. Identifiers: Orphanet 79401, MedGen C0432317, MONDO:0007555, OMIM 131950.
Epidermolysis bullosa simplex 5C, with pyloric atresia (EBS5C). Also called: PLEC-Related Epidermolysis Bullosa with Pyloric Atresia; Epidermolysis bullosa simplex with pyloric atresia; PLEC1-Related Epidermolysis Bullosa with Pyloric Atresia. Identifiers: Orphanet 158684, MedGen C2677349, MONDO:0012807, OMIM 612138.
Autosomal recessive limb-girdle muscular dystrophy type 2Q (LGMDR17). Also called: MUSCULAR DYSTROPHY, LIMB-GIRDLE, AUTOSOMAL RECESSIVE 17. Identifiers: Orphanet 254361, MedGen C3150989, MONDO:0013390, OMIM 613723.
Inborn genetic diseases. Identifiers: MedGen C0950123, MeSH D030342.

Allele frequency attached by ClinVar (database versions not stated): TOPMed 0.00001; gnomAD 0.00004; gnomAD exomes 0.00006; ExAC 0.00020.

Submissions (3):

Ambry Genetics
Classification: Uncertain significance for Inborn genetic diseases. Last evaluated: 2025-04-02. Review status: criteria provided, single submitter. Criteria: Ambry Variant Classification Scheme 2023. Collection method: clinical testing. Allele origin: germline.

Labcorp Genetics (formerly Invitae), Labcorp
Classification: Uncertain significance for Autosomal recessive limb-girdle muscular dystrophy type 2Q; Epidermolysis bullosa simplex, Ogna type; Epidermolysis bullosa simplex with nail dystrophy; Epidermolysis bullosa simplex 5C, with pyloric atresia; Epidermolysis bullosa simplex 5B, with muscular dystrophy. Last evaluated: 2025-02-27. Review status: criteria provided, single submitter. Criteria: Invitae Variant Classification Sherloc (09022015). Collection method: clinical testing. Allele origin: germline.
Comment: This sequence change replaces proline, which is neutral and non-polar, with leucine, which is neutral and non-polar, at codon 863 of the PLEC protein (p.Pro863Leu). This variant is present in population databases (rs782500732, gnomAD 0.1%). This variant has not been reported in the literature in individuals affected with PLEC-related conditions. ClinVar contains an entry for this variant (Variation ID: 1948542). Invitae Evidence Modeling of protein sequence and biophysical properties (such as structural, functional, and spatial information, amino acid conservation, physicochemical variation, residue mobility, and thermodynamic stability) indicates that this missense variant is not expected to disrupt PLEC protein function with a negative predictive value of 80%. In summary, the available evidence is currently insufficient to determine the role of this variant in disease. Therefore, it has been classified as a Variant of Uncertain Significance.

Revvity Omics, Revvity
Classification: Uncertain significance. Last evaluated: 2021-02-18. Review status: criteria provided, single submitter. Criteria: ACMG Guidelines, 2015. Collection method: clinical testing. Allele origin: germline.

NM_201384.3(PLEC):c.2507C>T (p.Pro836Leu)

Gene: PLEC (plectin; minus strand). Cytogenetic location: 8q24.3.
Variant type: single nucleotide variant.
Coding change: c.2507C>T on transcript NM_201384.3 (MANE Select); coding-DNA position 2507, C replaced by T.
Protein change: p.Pro836Leu; replaces proline 836 with leucine.
Molecular consequence: missense variant.
Genome position (GRCh38, 1-based): chr8:143,930,249, G>A on the plus strand (C>T on the coding strand, the complement: PLEC is on the minus strand). VCF-style: chr8-143930249-G-A. GRCh37 (hg19) VCF-style: chr8-145004417-G-A.
Other names: c.2588C>T (NM_000445.3); c.2588C>T, p.Pro863Leu (NM_000445.5, NM_001410941.1); c.2465C>T, p.Pro822Leu (NM_201378.4); c.2441C>T, p.Pro814Leu (NM_201379.3); c.2918C>T, p.Pro973Leu (NM_201380.4); c.2411C>T, p.Pro804Leu (NM_201381.3); c.2507C>T, p.Pro836Leu (NM_201382.4); c.2519C>T, p.Pro840Leu (NM_201383.3); short protein forms P804L, P840L, P836L, P822L, P863L, P814L, P973L.
Identifiers: ClinVar variation 1948542 (VCV001948542.11), dbSNP rs782500732, ClinGen allele CA4927492.
Genomic context (GRCh38, chr8:143,930,249, plus strand): 5'-AAGCACACGGAGGGCACGGCGGCCTCGCTGCCGGAGCTGCTGAGCACCTTCCAGTGGGAC[G>A]GCTGTGCAGGGCCCACCAGCTGGCACTCGTCACCCTTGTGCACAGTCACCTGGGACGGGC-3'
Protein context (NP_958786.1, residues 826-846): DECQLVGPAQ[Pro836Leu]SHWKVLSSSG